The following is an entry in ClinVar:

ClinVar aggregate classification (germline): Uncertain significance. Review status: criteria provided, multiple submitters, no conflicts (2 of 4 stars). 2 submissions from 2 submitters: Uncertain significance (2). Last evaluated 2023-12-12.

Conditions:
Inborn genetic diseases. Identifiers: MedGen C0950123, MeSH D030342.

Allele frequency attached by ClinVar (database versions not stated): ExAC 0.00001; gnomAD exomes 0.00001; gnomAD 0.00002; TOPMed 0.00003.
gnomAD v4.1: 6 of 1,613,702 alleles (0.00037%); highest among the groups gnomAD compares: African/African-American, 0.0053%; no homozygotes.

Submissions (2):

Ambry Genetics
Classification: Uncertain significance for Inborn genetic diseases. Last evaluated: 2023-12-12. Review status: criteria provided, single submitter. Criteria: Ambry Variant Classification Scheme 2023. Collection method: clinical testing. Allele origin: germline.

Labcorp Genetics (formerly Invitae), Labcorp
Classification: Uncertain significance. Last evaluated: 2023-11-04. Review status: criteria provided, single submitter. Criteria: Invitae Variant Classification Sherloc (09022015). Collection method: clinical testing. Allele origin: germline.
Comment: This sequence change replaces proline, which is neutral and non-polar, with leucine, which is neutral and non-polar, at codon 202 of the ZBTB20 protein (p.Pro202Leu). This variant is present in population databases (rs771671661, gnomAD 0.02%). This variant has not been reported in the literature in individuals affected with ZBTB20-related conditions. Advanced modeling of protein sequence and biophysical properties (such as structural, functional, and spatial information, amino acid conservation, physicochemical variation, residue mobility, and thermodynamic stability) has been performed at Invitae for this missense variant, however the output from this modeling did not meet the statistical confidence thresholds required to predict the impact of this variant on ZBTB20 protein function. In summary, the available evidence is currently insufficient to determine the role of this variant in disease. Therefore, it has been classified as a Variant of Uncertain Significance.

NM_001348800.3(ZBTB20):c.605C>T (p.Pro202Leu)

Gene: ZBTB20 (zinc finger and BTB domain containing 20; minus strand). Cytogenetic location: 3q13.31.
Variant type: single nucleotide variant.
Coding change: c.605C>T on transcript NM_001348800.3 (MANE Select); coding-DNA position 605, C replaced by T.
Protein change: p.Pro202Leu; replaces proline 202 with leucine.
Molecular consequence: missense variant.
Genome position (GRCh38, 1-based): chr3:114,351,473, G>A on the plus strand (C>T on the coding strand, the complement: ZBTB20 is on the minus strand). VCF-style: chr3-114351473-G-A. GRCh37 (hg19) VCF-style: chr3-114070320-G-A.
Other names: c.386C>T, p.Pro129Leu (NM_001348801.3, NM_001348802.3, NM_001348804.3 and 9 more transcripts); c.605C>T, p.Pro202Leu (NM_001348803.3, NM_001393393.1, NM_001393394.1 and 1 more transcripts); c.605C>T (NM_001164342.1); short protein forms P129L, P202L.
Identifiers: ClinVar variation 2964479 (VCV002964479.4), dbSNP rs771671661, ClinGen allele CA2551415.